The following is an entry in ClinVar:

NM_001384732.1(CPLANE1):c.7588+7A>G

Gene: CPLANE1 (ciliogenesis and planar polarity effector complex subunit 1; minus strand). Cytogenetic location: 5p13.2.
Variant type: single nucleotide variant.
Coding change: c.7588+7A>G on transcript NM_001384732.1 (MANE Select); 7 bases into the intron after coding-DNA position 7588, A replaced by G.
Molecular consequence: intron variant.
Genome position (GRCh38, 1-based): chr5:37,164,266, T>C on the plus strand (A>G on the coding strand, the complement: CPLANE1 is on the minus strand). VCF-style: chr5-37164266-T-C. GRCh37 (hg19) VCF-style: chr5-37164368-T-C.
Other names: c.7588+7A>G (NM_023073.4).
Identifiers: ClinVar variation 582245 (VCV000582245.15), dbSNP rs773662834, ClinGen allele CA3238018.

ClinVar aggregate classification (germline): Conflicting classifications of pathogenicity. Review status: criteria provided, conflicting classifications (1 of 4 stars). 5 submissions from 5 submitters: Pathogenic (2); Likely pathogenic (1); Uncertain significance (2). Last evaluated 2026-09-05.

Conditions:
Joubert syndrome and related disorders. Identifiers: Orphanet 140874, MedGen C5679612, MONDO:0015369.
Orofaciodigital syndrome type 6 (OFD6). Also called: VARADI SYNDROME; VARADI-PAPP SYNDROME; OROFACIODIGITAL SYNDROME VI; OFDS VI; POLYDACTYLY, CLEFT LIP/PALATE OR LINGUAL LUMP, AND PSYCHOMOTOR RETARDATION; Oral-facial-digital syndrome type 6. Identifiers: Orphanet 2754, MedGen C2745997, MONDO:0010176, OMIM 277170.

Allele frequency attached by ClinVar (database versions not stated): gnomAD 0.00001; gnomAD exomes 0.00001 and 0.00002; ExAC 0.00002; TOPMed 0.00003.
gnomAD v4.1: 17 of 1,604,994 alleles (0.0011%); highest among the groups gnomAD compares: Admixed American, 0.012%; no homozygotes.

Submissions (5):

GeneDx
Classification: Uncertain significance. Last evaluated: 2026-09-05. Review status: criteria provided, single submitter. Criteria: GeneDx Variant Classification Process June 2021. Collection method: clinical testing. Allele origin: germline.
Comment: Identified with a second variant in patients with Joubert syndrome in the published literature (PMID: 28431631, 38003592); Not observed at significant frequency in large population cohorts (gnomAD); In silico analysis is inconclusive as to whether the variant alters gene splicing. In the absence of RNA/functional studies, the actual effect of this sequence change is unknown.; This variant is associated with the following publications: (PMID: 28431631, 38003592, 36305856)

Labcorp Genetics (formerly Invitae), Labcorp
Classification: Pathogenic. Last evaluated: 2026-01-19. Review status: criteria provided, single submitter. Criteria: Invitae Variant Classification Sherloc (09022015). Collection method: clinical testing. Allele origin: germline.
Comment: This sequence change falls in intron 37 of the CPLANE1 gene. It does not directly change the encoded amino acid sequence of the CPLANE1 protein. This variant is present in population databases (rs773662834, gnomAD 0.01%). This variant has been observed in individual(s) with clinical features of Joubert syndrome and related disorders (PMID: 28431631; internal data). In at least one individual the data is consistent with being in trans (on the opposite chromosome) from a pathogenic variant. ClinVar contains an entry for this variant (Variation ID: 582245). Algorithms developed to predict the effect of sequence changes on RNA splicing suggest that this variant may disrupt the consensus splice site. For these reasons, this variant has been classified as Pathogenic.

Women's Health and Genetics/Laboratory Corporation of America, LabCorp
Classification: Likely pathogenic for Joubert syndrome and related disorders. Last evaluated: 2024-07-31. Review status: criteria provided, single submitter. Criteria: LabCorp Variant Classification Summary - May 2015. Collection method: clinical testing. Allele origin: germline.
Comment: Variant summary: CPLANE1 c.7588+7A>G alters a conserved nucleotide located close to a canonical splice site and therefore could affect mRNA splicing, leading to a significantly altered protein sequence. Consensus agreement among computation tools predict no significant impact on normal splicing. At least one publication reports experimental evidence that this variant affects mRNA splicing resulting in skipping of exon 37 and truncation of protein leading to potential nonsense-mediated decay (Martnez-Rubio_2023). The variant was absent in 251190 control chromosomes. c.7588+7A>G has been reported in the literature as compound heterozygous genotype in individuals affected with Joubert Syndrome And Related Disorders (Enokizono_2017, Sakamoto_2022, Martnez-Rubio_2023). These data suggesting that the variant is probably associated disease. The following publications have been ascertained in the context of this evaluation (PMID: 28431631, 36305856, 38003592). ClinVar contains an entry for this variant (Variation ID: 582245). Based on the evidence outlined above, the variant was classified as likely pathogenic.

Mendelics
Classification: Pathogenic for Orofaciodigital syndrome type 6. Last evaluated: 2022-05-04. Review status: criteria provided, single submitter. Criteria: Mendelics Assertion Criteria 2019. Collection method: clinical testing. Allele origin: germline.

Blueprint Genetics
Classification: Uncertain significance. Last evaluated: 2019-06-13. Review status: criteria provided, single submitter. Criteria: ACMG Guidelines, 2015. Collection method: clinical testing. Allele origin: germline.

Literature cited by the submitters: PubMed 28431631 (cited by Labcorp Genetics (formerly Invitae), Labcorp and Women's Health and Genetics/Laboratory Corporation of America, LabCorp); PubMed 36305856 (cited by Women's Health and Genetics/Laboratory Corporation of America, LabCorp); PubMed 38003592 (cited by Women's Health and Genetics/Laboratory Corporation of America, LabCorp).